The following is an entry in ClinVar:

NM_001040142.2(SCN2A):c.3626G>A (p.Trp1209Ter)

Gene: SCN2A (sodium voltage-gated channel alpha subunit 2; plus strand). Cytogenetic location: 2q24.3.
Variant type: single nucleotide variant.
Coding change: c.3626G>A on transcript NM_001040142.2 (MANE Select); coding-DNA position 3626, G replaced by A.
Protein change: p.Trp1209Ter; replaces tryptophan 1209 with a stop codon.
Molecular consequence: nonsense.
Genome position (GRCh38, 1-based): chr2:165,367,322, G>A. VCF-style: chr2-165367322-G-A. GRCh37 (hg19) VCF-style: chr2-166223832-G-A.
Other names: c.3626G>A, p.Trp1209Ter (NM_001040143.2, NM_001371246.1, NM_001371247.1 and 1 more transcripts); short protein forms W1209*.
Identifiers: ClinVar variation 3068356 (VCV003068356.1), dbSNP rs1553590305, ClinGen allele CA349026230.

ClinVar aggregate classification (germline): Likely pathogenic (1 of 4 stars; one submission).

Conditions:
Developmental and epileptic encephalopathy, 11 (DEE11). Also called: Early infantile epileptic encephalopathy 11. Identifiers: Orphanet 1934, MedGen C3150987, MONDO:0013388, OMIM 613721.

Submission:

MVZ Medizinische Genetik Mainz
Classification: Likely pathogenic for Developmental and epileptic encephalopathy, 11. Last evaluated: 2023-09-25. Review status: criteria provided, single submitter. Criteria: UK Practice Guidelines For Variant Classification V4 01 2020. Collection method: clinical testing. Allele origin: germline. Inheritance: Autosomal dominant inheritance. Affected: yes. Observed: 1 variant allele.
Comment: ACMG Criteria: PVS1,PM2_SUP